The following is an entry in ClinVar:

ClinVar aggregate classification (germline): Uncertain significance (1 of 4 stars; one submission).

Conditions:
Severe combined immunodeficiency due to DNA-PKcs deficiency. Also called: IMMUNODEFICIENCY 26 WITH NEUROLOGIC ABNORMALITIES; Immunodeficiency 26 with or without neurologic abnormalities. Identifiers: Orphanet 317425, MedGen C4014833, MONDO:0014423, OMIM 615966.

Allele frequency attached by ClinVar (database versions not stated): gnomAD exomes 0.00001; gnomAD 0.00002; TOPMed 0.00002.
gnomAD v4.1: 12 of 1,609,452 alleles (0.00075%); highest among the groups gnomAD compares: Admixed American, 0.0017%; no homozygotes.

Submission:

Labcorp Genetics (formerly Invitae), Labcorp
Classification: Uncertain significance for Severe combined immunodeficiency due to DNA-PKcs deficiency. Last evaluated: 2021-12-03. Review status: criteria provided, single submitter. Criteria: Invitae Variant Classification Sherloc (09022015). Collection method: clinical testing. Allele origin: germline.
Comment: This sequence change replaces arginine with cysteine at codon 2158 of the PRKDC protein (p.Arg2158Cys). The arginine residue is highly conserved and there is a large physicochemical difference between arginine and cysteine. The frequency data for this variant in the population databases is considered unreliable, as metrics indicate poor data quality at this position in the gnomAD database. This variant has not been reported in the literature in individuals affected with PRKDC-related conditions. Experimental studies and prediction algorithms are not available or were not evaluated, and the functional significance of this variant is currently unknown. In summary, the available evidence is currently insufficient to determine the role of this variant in disease. Therefore, it has been classified as a Variant of Uncertain Significance.

NM_006904.7(PRKDC):c.6472C>T (p.Arg2158Cys)

Gene: PRKDC (protein kinase, DNA-activated, catalytic subunit; minus strand). Cytogenetic location: 8q11.21.
Variant type: single nucleotide variant.
Coding change: c.6472C>T on transcript NM_006904.7 (MANE Select); coding-DNA position 6472, C replaced by T.
Protein change: p.Arg2158Cys; replaces arginine 2158 with cysteine.
Molecular consequence: missense variant.
Genome position (GRCh38, 1-based): chr8:47,857,293, G>A on the plus strand (C>T on the coding strand, the complement: PRKDC is on the minus strand). VCF-style: chr8-47857293-G-A. GRCh37 (hg19) VCF-style: chr8-48769854-G-A.
Other names: c.6472C>T, p.Arg2158Cys (NM_001081640.2); short protein forms R2158C.
Identifiers: ClinVar variation 1448428 (VCV001448428.3), dbSNP rs1478302176, ClinGen allele CA371160259.